The following is an entry in ClinVar:

ClinVar aggregate classification (germline): Likely benign. Review status: criteria provided, multiple submitters, no conflicts (2 of 4 stars). 3 submissions from 3 submitters: Likely benign (2). 1 of the submissions does not count toward it. Last evaluated 2026-01-17.

Conditions:
REL-related disorder. Also called: REL-related condition.

Allele frequency attached by ClinVar (database versions not stated): TOPMed 0.00060; gnomAD 0.00069; ExAC 0.00100.
gnomAD v4.1: 1,919 of 1,490,038 alleles (0.13%); highest among the groups gnomAD compares: Non-Finnish European, 0.16%; 1 homozygote.

Submissions (3):

Labcorp Genetics (formerly Invitae), Labcorp
Classification: Likely benign. Last evaluated: 2026-01-17. Review status: criteria provided, single submitter. Criteria: Invitae Variant Classification Sherloc (09022015). Collection method: clinical testing. Allele origin: germline.

Blueprint Genetics
Classification: Likely benign. Last evaluated: 2024-08-27. Review status: criteria provided, single submitter. Criteria: ACMG Guidelines, 2015. Collection method: clinical testing. Allele origin: germline.

PreventionGenetics, part of Exact Sciences
Classification: Likely benign for REL-related condition. Last evaluated: 2022-12-28. Review status: no assertion criteria provided. Collection method: clinical testing. Allele origin: germline. Not counted in ClinVar's aggregate classification.
Comment: This variant is classified as likely benign based on ACMG/AMP sequence variant interpretation guidelines (Richards et al. 2015 PMID: 25741868, with internal and published modifications).

NM_001291746.2(REL):c.10+10C>T

Gene: REL (REL proto-oncogene, NF-kB subunit; plus strand). Cytogenetic location: 2p16.1.
Variant type: single nucleotide variant.
Coding change: c.10+10C>T on transcript NM_001291746.2 (MANE Select); 10 bases into the intron after coding-DNA position 10, C replaced by T.
Molecular consequence: intron variant.
Genome position (GRCh38, 1-based): chr2:60,881,860, C>T. VCF-style: chr2-60881860-C-T. GRCh37 (hg19) VCF-style: chr2-61108995-C-T.
Other names: c.10+10C>T (NM_002908.3, NM_002908.4).
Identifiers: ClinVar variation 1972125 (VCV001972125.8), dbSNP rs554821546, ClinGen allele CA1672094.
Genomic context (GRCh38, chr2:60,881,860, plus strand): 5'-ACGCTGGGAGCTGCCTGCGGGAAGGTGCGGGGAGCGGAGCCATGGCCTCCGGTGAGTGTT[C>T]ATGGGGCGCGGGCCTGGGCCGGGGGAAAGGAGCTCTTCTGAAGGGGGTCCTGCCGCAGTG-3'